The following is an entry in ClinVar:

ClinVar aggregate classification (germline): Conflicting classifications of pathogenicity. Review status: criteria provided, conflicting classifications (1 of 4 stars). 2 submissions from 2 submitters: Uncertain significance (1); Likely benign (1). Last evaluated 2025-08-23.

Allele frequency attached by ClinVar (database versions not stated): TOPMed 0.00026; ESP Exome Variant Server 0.00028; gnomAD 0.00028; ExAC 0.00022; gnomAD exomes 0.00059; 1000 Genomes Project 30x 0.00062; 1000 Genomes Project 0.00079.
gnomAD v4.1: 672 of 1,208,973 alleles (0.056%); highest among the groups gnomAD compares: Non-Finnish European, 0.072%; no homozygotes.

Submissions (2):

Ambry Genetics
Classification: Uncertain significance. Last evaluated: 2025-08-23. Review status: criteria provided, single submitter. Criteria: Ambry Variant Classification Scheme 2023. Collection method: clinical testing. Allele origin: germline.

CeGaT Center for Human Genetics Tuebingen
Classification: Likely benign. Last evaluated: 2023-03-01. Review status: criteria provided, single submitter. Criteria: CeGaT Center For Human Genetics Tuebingen Variant Classification Criteria Version 2. Collection method: clinical testing. Allele origin: germline. Affected: yes. Observed: 2 variant alleles.
Comment: ARSH: BS2

NM_001011719.2(ARSH):c.1610C>T (p.Pro537Leu)

Gene: ARSH (arylsulfatase family member H; plus strand). Cytogenetic location: Xp22.33.
Variant type: single nucleotide variant.
Coding change: c.1610C>T on transcript NM_001011719.2 (MANE Select); coding-DNA position 1610, C replaced by T.
Protein change: p.Pro537Leu; replaces proline 537 with leucine.
Molecular consequence: missense variant.
Genome position (GRCh38, 1-based): chrX:3,033,306, C>T. VCF-style: chrX-3033306-C-T. GRCh37 (hg19) VCF-style: chrX-2951347-C-T.
Other names: c.1610C>T (NM_001011719.1); short protein forms P537L.
Identifiers: ClinVar variation 2659866 (VCV002659866.25), dbSNP rs138812517, ClinGen allele CA10338693.
Genomic context (GRCh38, chrX:3,033,306, plus strand): 5'-ATCGTAGGACACTAACACCTGTCCCACAGCAGTTCTCTGTGTTCAACACAATTTGGAAAC[C>T]ATGGCTGCAGCCTTGCTGTGGGACCTTCCCCTTCTGTGGGTGTGACAAGGAAGATGACAT-3'
Protein context (NP_001011719.1, residues 527-547): QFSVFNTIWK[Pro537Leu]WLQPCCGTFP